The following is an entry in ClinVar:

NM_001177316.2(SLC34A3):c.1403G>A (p.Arg468Gln)

Gene: SLC34A3 (solute carrier family 34 member 3; plus strand). Cytogenetic location: 9q34.3.
Variant type: single nucleotide variant.
Coding change: c.1403G>A on transcript NM_001177316.2 (MANE Select); coding-DNA position 1403, G replaced by A.
Protein change: p.Arg468Gln; replaces arginine 468 with glutamine.
Molecular consequence: missense variant.
Genome position (GRCh38, 1-based): chr9:137,236,019, G>A. VCF-style: chr9-137236019-G-A. GRCh37 (hg19) VCF-style: chr9-140130471-G-A.
Other names: c.1403G>A, p.Arg468Gln (NM_001177317.2, NM_080877.3); short protein forms R468Q.
Identifiers: ClinVar variation 3635286 (VCV003635286.1).

ClinVar aggregate classification (germline): Uncertain significance (1 of 4 stars; one submission).

gnomAD v4.1: 24 of 1,612,496 alleles (0.0015%); highest among the groups gnomAD compares: East Asian, 0.011%; no homozygotes.

Submission:

Labcorp Genetics (formerly Invitae), Labcorp
Classification: Uncertain significance. Last evaluated: 2024-11-22. Review status: criteria provided, single submitter. Criteria: Invitae Variant Classification Sherloc (09022015). Collection method: clinical testing. Allele origin: germline.
Comment: This sequence change replaces arginine, which is basic and polar, with glutamine, which is neutral and polar, at codon 468 of the SLC34A3 protein (p.Arg468Gln). This variant is present in population databases (rs763789409, gnomAD 0.01%). This variant has not been reported in the literature in individuals affected with SLC34A3-related conditions. Invitae Evidence Modeling of protein sequence and biophysical properties (such as structural, functional, and spatial information, amino acid conservation, physicochemical variation, residue mobility, and thermodynamic stability) indicates that this missense variant is expected to disrupt SLC34A3 protein function with a positive predictive value of 80%. This variant disrupts the p.Arg468 amino acid residue in SLC34A3. Other variant(s) that disrupt this residue have been determined to be pathogenic (PMID: 16358214, 24246249). This suggests that this residue is clinically significant, and that variants that disrupt this residue are likely to be disease-causing. In summary, the available evidence is currently insufficient to determine the role of this variant in disease. Therefore, it has been classified as a Variant of Uncertain Significance.

Literature cited by the submitters: PubMed 16358214; PubMed 24246249.